The following is an entry in ClinVar:

NM_015166.4(MLC1):c.978C>T (p.Cys326=)

Gene: MLC1 (modulator of VRAC current 1; minus strand). Cytogenetic location: 22q13.33.
Variant type: single nucleotide variant.
Coding change: c.978C>T on transcript NM_015166.4 (MANE Select); coding-DNA position 978, C replaced by T.
Protein change: p.Cys326=; no amino-acid change (cysteine 326 retained).
Molecular consequence: synonymous variant. On other transcripts: non-coding transcript variant (3).
Genome position (GRCh38, 1-based): chr22:50,064,115, G>A on the plus strand (C>T on the coding strand, the complement: MLC1 is on the minus strand). VCF-style: chr22-50064115-G-A. GRCh37 (hg19) VCF-style: chr22-50502544-G-A.
Other names: p.Cys326=; c.978C>T, p.Cys326= (NM_001376472.1, NM_001376473.1, NM_001376474.1 and 5 more transcripts); c.921C>T, p.Cys307= (NM_001376479.1); c.888C>T, p.Cys296= (NM_001376480.1); c.876C>T, p.Cys292= (NM_001376481.1); c.822C>T, p.Cys274= (NM_001376482.1, NM_001376483.1); c.741C>T, p.Cys247= (NM_001376484.1).
Identifiers: ClinVar variation 129617 (VCV000129617.25), dbSNP rs11568186, ClinGen allele CA153709.

ClinVar aggregate classification (germline): Benign. Review status: criteria provided, multiple submitters, no conflicts (2 of 4 stars). 10 submissions from 10 submitters: Benign (8). 2 of the submissions do not count toward it. Last evaluated 2026-02-04.

Conditions:
Megalencephalic leukoencephalopathy with subcortical cysts. Also called: VAN DER KNAAP DISEASE. Identifiers: Orphanet 2478, MedGen C1858854, MONDO:0011391.
Megalencephalic leukoencephalopathy with subcortical cysts 1 (MLC1). Also called: LEUKOENCEPHALOPATHY WITH SWELLING AND CYSTS; VACUOLATING MEGALENCEPHALIC LEUKOENCEPHALOPATHY WITH SUBCORTICAL CYSTS. Identifiers: Orphanet 2478, MedGen C5779875, MONDO:0024555, OMIM 604004.

Allele frequency attached by ClinVar (database versions not stated): gnomAD 0.10918 and 0.11332; ESP Exome Variant Server 0.11733; gnomAD exomes 0.12187 and 0.12912; TOPMed 0.12388; 1000 Genomes Project 30x 0.12523; ExAC 0.13111; 1000 Genomes Project 0.13119.
gnomAD v4.1: 182,238 of 1,506,278 alleles (12%); highest among the groups gnomAD compares: South Asian, 20%; 15,988 homozygotes.

Submissions (10):

Labcorp Genetics (formerly Invitae), Labcorp
Classification: Benign. Last evaluated: 2026-02-04. Review status: criteria provided, single submitter. Criteria: Invitae Variant Classification Sherloc (09022015). Collection method: clinical testing. Allele origin: germline.

Blueprint Genetics
Classification: Benign. Last evaluated: 2024-11-28. Review status: criteria provided, single submitter. Criteria: ACMG Guidelines, 2015. Collection method: clinical testing. Allele origin: germline.

Mayo Clinic Laboratories, Mayo Clinic
Classification: Benign. Last evaluated: 2022-03-24. Review status: criteria provided, single submitter. Criteria: ACMG Guidelines, 2015. Collection method: clinical testing. Allele origin: germline. Observed: 119 variant alleles.

Genome-Nilou Lab
Classification: Benign for Megalencephalic leukoencephalopathy with subcortical cysts 1. Last evaluated: 2021-09-05. Review status: criteria provided, single submitter. Criteria: ACMG Guidelines, 2015. Collection method: clinical testing. Allele origin: germline. Affected: no.

GeneDx
Classification: Benign. Last evaluated: 2018-09-20. Review status: criteria provided, single submitter. Criteria: GeneDx Variant Classification Process June 2021. Collection method: clinical testing. Allele origin: germline. Affected: yes.

Illumina Laboratory Services, Illumina
Classification: Benign for Megalencephalic leukoencephalopathy with subcortical cysts 1. Last evaluated: 2018-01-13. Review status: criteria provided, single submitter. Criteria: ICSL Variant Classification Criteria 13 December 2019. Collection method: clinical testing. Allele origin: germline.
Comment: This variant was observed in the ICSL laboratory as part of a predisposition screen in an ostensibly healthy population. It had not been previously curated by ICSL or reported in the Human Gene Mutation Database (HGMD: prior to June 1st, 2018), and was therefore a candidate for classification through an automated scoring system. Utilizing variant allele frequency, disease prevalence and penetrance estimates, and inheritance mode, an automated score was calculated to assess if this variant is too frequent to cause the disease. Based on the score and internal cut-off values, a variant classified as benign is not then subjected to further curation. The score for this variant resulted in a classification of benign for this disease.

Breakthrough Genomics
Classification: Benign. Review status: criteria provided, single submitter. Criteria: ACMG Guidelines, 2015. Collection method: not provided. Allele origin: germline. Inheritance: Autosomal recessive inheritance. Affected: yes.

PreventionGenetics, part of Exact Sciences
Classification: Benign. Review status: criteria provided, single submitter. Criteria: ACMG Guidelines, 2015. Collection method: clinical testing. Allele origin: germline.

Natera, Inc.
Classification: Benign for Megalencephalic leukoencephalopathy with subcortical cysts. Last evaluated: 2019-11-20. Review status: no assertion criteria provided. Collection method: clinical testing. Allele origin: germline. Not counted in ClinVar's aggregate classification.

Genetic Services Laboratory, University of Chicago
Classification: Likely benign for AllHighlyPenetrant. Review status: no assertion criteria provided. Collection method: clinical testing. Allele origin: germline. Inheritance: Autosomal recessive inheritance. Not counted in ClinVar's aggregate classification.
Comment: Likely benign based on allele frequency in 1000 Genomes Project or ESP global frequency and its presence in a patient with a rare or unrelated disease phenotype. NOT Sanger confirmed.